The following is an entry in ClinVar:

ClinVar aggregate classification (germline): Uncertain significance (1 of 4 stars; one submission).

gnomAD v4.1: 2 of 1,614,122 alleles (0.00012%); highest among the groups gnomAD compares: Non-Finnish European, 0.00017%; no homozygotes.

Submission:

Labcorp Genetics (formerly Invitae), Labcorp
Classification: Uncertain significance. Last evaluated: 2025-02-03. Review status: criteria provided, single submitter. Criteria: Invitae Variant Classification Sherloc (09022015). Collection method: clinical testing. Allele origin: germline.
Comment: This sequence change replaces serine, which is neutral and polar, with alanine, which is neutral and non-polar, at codon 568 of the ROR1 protein (p.Ser568Ala). This variant is not present in population databases (gnomAD no frequency). This variant has not been reported in the literature in individuals affected with ROR1-related conditions. Invitae Evidence Modeling of protein sequence and biophysical properties (such as structural, functional, and spatial information, amino acid conservation, physicochemical variation, residue mobility, and thermodynamic stability) indicates that this missense variant is not expected to disrupt ROR1 protein function with a negative predictive value of 80%. In summary, the available evidence is currently insufficient to determine the role of this variant in disease. Therefore, it has been classified as a Variant of Uncertain Significance.

NM_005012.4(ROR1):c.1702T>G (p.Ser568Ala)

Gene: ROR1 (receptor tyrosine kinase like orphan receptor 1; plus strand). Cytogenetic location: 1p31.3.
Variant type: single nucleotide variant.
Coding change: c.1702T>G on transcript NM_005012.4 (MANE Select); coding-DNA position 1702, T replaced by G.
Protein change: p.Ser568Ala; replaces serine 568 with alanine.
Molecular consequence: missense variant.
Genome position (GRCh38, 1-based): chr1:64,177,743, T>G. VCF-style: chr1-64177743-T-G. GRCh37 (hg19) VCF-style: chr1-64643426-T-G.
Other names: short protein forms S568A.
Identifiers: ClinVar variation 4778673 (VCV004778673.1).